The following is an entry in ClinVar:

ClinVar aggregate classification (germline): Likely benign (0 of 4 stars; one submission).

Conditions:
PCDH9-related disorder. Also called: PCDH9-related condition.

Allele frequency attached by ClinVar (database versions not stated): ExAC 0.00001; gnomAD exomes 0.00001; TOPMed 0.00001.
gnomAD v4.1: 8 of 1,614,110 alleles (0.0005%); highest among the groups gnomAD compares: South Asian, 0.0011%; no homozygotes.

Submission:

PreventionGenetics, part of Exact Sciences
Classification: Likely benign for PCDH9-related condition. Last evaluated: 2023-04-08. Review status: no assertion criteria provided. Collection method: clinical testing. Allele origin: germline.
Comment: This variant is classified as likely benign based on ACMG/AMP sequence variant interpretation guidelines (Richards et al. 2015 PMID: 25741868, with internal and published modifications).

NM_203487.3(PCDH9):c.2142G>A (p.Lys714=)

Gene: PCDH9 (protocadherin 9; minus strand). Cytogenetic location: 13q21.32.
Variant type: single nucleotide variant.
Coding change: c.2142G>A on transcript NM_203487.3 (MANE Select); coding-DNA position 2142, G replaced by A.
Protein change: p.Lys714=; no amino-acid change (lysine 714 retained).
Molecular consequence: synonymous variant.
Genome position (GRCh38, 1-based): chr13:67,226,299, C>T on the plus strand (G>A on the coding strand, the complement: PCDH9 is on the minus strand). VCF-style: chr13-67226299-C-T. GRCh37 (hg19) VCF-style: chr13-67800431-C-T.
Other names: c.2142G>A, p.Lys714= (NM_001318372.2, NM_001318373.2, NM_001318374.2 and 1 more transcripts).
Identifiers: ClinVar variation 3061631 (VCV003061631.2), dbSNP rs775537328, ClinGen allele CA6998695.
Genomic context (GRCh38, chr13:67,226,299, plus strand): 5'-GTTACCTGTTACTGGATCAATCCGGAATAAGCCTTTATTGTTTCCACTCACTATAGTATA[C>T]TTTAGTTCAGCGTTCATTCCAGTGTCAACATCCACTGCAAAAACTTCTGCTACCACGGAG-3'
Protein context (NP_982354.1, residues 704-724): DVDTGMNAEL[Lys714=]YTIVSGNNKG